The following is an entry in ClinVar:

NM_002691.4(POLD1):c.2843_2847del (p.His948fs)

Gene: POLD1 (DNA polymerase delta 1, catalytic subunit; plus strand). Cytogenetic location: 19q13.33.
Variant type: Deletion.
Coding change: c.2843_2847del on transcript NM_002691.4 (MANE Select); coding-DNA positions 2843 to 2847, 5 bases deleted (ACAGC; older notation c.2843_2847delACAGC).
Protein change: p.His948fs; shifts the reading frame from histidine 948.
Molecular consequence: frameshift variant. On other transcripts: non-coding transcript variant (1).
Genome position (GRCh38, 1-based): chr19:50,416,418-50,416,422, ACAGC deleted; deleting any 5 consecutive bases within chr19:50,416,415-50,416,422 gives the same sequence; the c. name uses the placement nearest the transcript's 3' end. VCF-style (leftmost placement, unchanged base first): chr19-50416414-GAGCAC-G. GRCh37 (hg19) VCF-style: chr19-50919671-GAGCAC-G.
Other names: c.2843_2847del, p.His948fs (NM_001256849.1, NM_001438212.1, NM_001438213.1); c.2921_2925del, p.His974fs (NM_001308632.1); c.2771_2775del, p.His924fs (NM_001438210.1, NM_001438211.1); short protein forms H948fs, H974fs, H924fs.
Identifiers: ClinVar variation 4717033 (VCV004717033.1).

ClinVar aggregate classification (germline): Uncertain significance (1 of 4 stars; one submission).

Conditions:
POLD1-related polyposis and colorectal cancer syndrome (CRCS10). Also called: COLORECTAL CANCER, SUSCEPTIBILITY TO, ON CHROMOSOME 19q; Colorectal cancer 10; Colorectal cancer, susceptibility to, 10. Identifiers: Orphanet 220460, MedGen C2675481, MONDO:0012953, OMIM 612591.

Submission:

Labcorp Genetics (formerly Invitae), Labcorp
Classification: Uncertain significance for POLD1-related polyposis and colorectal cancer syndrome. Last evaluated: 2025-04-10. Review status: criteria provided, single submitter. Criteria: Invitae Variant Classification Sherloc (09022015). Collection method: clinical testing. Allele origin: germline.
Comment: This sequence change creates a premature translational stop signal (p.His948Profs*4) in the POLD1 gene. Missense variants that disrupt the 3'-5' exonuclease (proof-reading) activity of the POLD1 protein are associated with PPAP (polymerase proofreading–associated polyposis) (PMID: 23263490, 23447401). However, loss-of-function variants that result in an absent or severely disrupted POLD1 protein, and missense variants outside the exonuclease domain, are unlikely to be associated with PPAP. This variant is not present in population databases (gnomAD no frequency). This variant has not been reported in the literature in individuals affected with POLD1-related conditions. In summary, the available evidence is currently insufficient to determine the role of this variant in disease. Therefore, it has been classified as a Variant of Uncertain Significance.

Literature cited by the submitters: PubMed 23263490; PubMed 23447401.